The following is an entry in ClinVar:

ClinVar aggregate classification (germline): Benign/Likely benign. Review status: criteria provided, multiple submitters, no conflicts (2 of 4 stars). 3 submissions from 3 submitters: Benign (1); Likely benign (2). Last evaluated 2025-12-26.

Allele frequency attached by ClinVar (database versions not stated): gnomAD exomes 0.00012 and 0.00030; ExAC 0.00040; 1000 Genomes Project 0.00140; 1000 Genomes Project 30x 0.00141; gnomAD 0.00151 and 0.00166; TOPMed 0.00173; ESP Exome Variant Server 0.00192.
gnomAD v4.1: 401 of 1,612,160 alleles (0.025%); highest among the groups gnomAD compares: African/African-American, 0.49%; 1 homozygote.

Submissions (3):

Labcorp Genetics (formerly Invitae), Labcorp
Classification: Benign. Last evaluated: 2025-12-26. Review status: criteria provided, single submitter. Criteria: Invitae Variant Classification Sherloc (09022015). Collection method: clinical testing. Allele origin: germline.

Mayo Clinic Laboratories, Mayo Clinic
Classification: Likely benign. Last evaluated: 2025-08-27. Review status: criteria provided, single submitter. Criteria: ACMG Guidelines, 2015. Collection method: clinical testing. Allele origin: germline. Observed: 1 variant allele.
Comment: BS1, BP4, BP7

Blueprint Genetics
Classification: Likely benign. Last evaluated: 2024-02-20. Review status: criteria provided, single submitter. Criteria: ACMG Guidelines, 2015. Collection method: clinical testing. Allele origin: germline.

NM_002972.4(SBF1):c.5109G>A (p.Arg1703=)

Gene: SBF1 (SET binding factor 1; minus strand). Cytogenetic location: 22q13.33.
Variant type: single nucleotide variant.
Coding change: c.5109G>A on transcript NM_002972.4 (MANE Select); coding-DNA position 5109, G replaced by A.
Protein change: p.Arg1703=; no amino-acid change (arginine 1703 retained).
Molecular consequence: synonymous variant.
Genome position (GRCh38, 1-based): chr22:50,448,585, C>T on the plus strand (G>A on the coding strand, the complement: SBF1 is on the minus strand). VCF-style: chr22-50448585-C-T. GRCh37 (hg19) VCF-style: chr22-50887014-C-T.
Other names: p.Arg1703=; c.5034G>A, p.Arg1678= (NM_001365819.1).
Identifiers: ClinVar variation 729227 (VCV000729227.11), dbSNP rs188837124, ClinGen allele CA10315990.